The following is an entry in ClinVar:

ClinVar aggregate classification (germline): Uncertain significance (1 of 4 stars; one submission).

Conditions:
Hereditary cancer-predisposing syndrome. Also called: Neoplastic Syndromes, Hereditary; Tumor predisposition; Hereditary Cancer Syndrome; Hereditary neoplastic syndrome. Identifiers: Orphanet 140162, MedGen C0027672, MeSH D009386, MONDO:0015356.

Submission:

Ambry Genetics
Classification: Uncertain significance for Hereditary cancer-predisposing syndrome. Last evaluated: 2026-04-23. Review status: criteria provided, single submitter. Criteria: Ambry Variant Classification Scheme 2023. Collection method: clinical testing. Allele origin: germline.
Comment: The p.C226F variant (also known as c.677G>T), located in coding exon 5 of the PTCH1 gene, results from a G to T substitution at nucleotide position 677. The cysteine at codon 226 is replaced by phenylalanine, an amino acid with highly dissimilar properties. This amino acid position is conserved. In addition, this alteration is predicted to be deleterious by in silico analysis. Based on the available evidence, the clinical significance of this variant remains unclear.

NM_000264.5(PTCH1):c.677G>T (p.Cys226Phe)

Gene: PTCH1 (patched 1; minus strand). Cytogenetic location: 9q22.32.
Variant type: single nucleotide variant.
Coding change: c.677G>T on transcript NM_000264.5 (MANE Select); coding-DNA position 677, G replaced by T.
Protein change: p.Cys226Phe; replaces cysteine 226 with phenylalanine.
Molecular consequence: missense variant. On other transcripts: non-coding transcript variant (1).
Genome position (GRCh38, 1-based): chr9:95,482,018, C>A on the plus strand (G>T on the coding strand, the complement: PTCH1 is on the minus strand). VCF-style: chr9-95482018-C-A. GRCh37 (hg19) VCF-style: chr9-98244300-C-A.
Other names: c.479G>T, p.Cys160Phe (NM_001083602.3, NM_001354919.2); c.674G>T, p.Cys225Phe (NM_001083603.3); c.224G>T, p.Cys75Phe (NM_001083604.3, NM_001083605.3, NM_001083606.3 and 1 more transcripts); c.677G>T, p.Cys226Phe (NM_001354918.2); short protein forms C225F, C160F, C75F, C226F.
Identifiers: ClinVar variation 4146863 (VCV004146863.2).
Genomic context (GRCh38, chr9:95,482,018, plus strand): 5'-GCTGTCCCAGACTGTAATTTCGCCCCTTCCCAGAAGCAGTCCAAAGGTGTAATAATCAAA[C>A]AAGGGTAAAGATATTCTATTATCTGTCAAAGTTAAAAAGAAGAGGCCATGCGTTAGGTTA-3'
Protein context (NP_000255.2, residues 216-236): MDQIIEYLYP[Cys226Phe]LIITPLDCFW